The following is an entry in ClinVar:

ClinVar aggregate classification (germline): Uncertain significance. Review status: criteria provided, multiple submitters, no conflicts (2 of 4 stars). 3 submissions from 3 submitters: Uncertain significance (3). Last evaluated 2026-01-19.

Allele frequency attached by ClinVar (database versions not stated): ExAC 0.00015; TOPMed 0.00015.
gnomAD v4.1: 100 of 1,614,010 alleles (0.0062%); highest among the groups gnomAD compares: Admixed American, 0.082%; no homozygotes.

Submissions (3):

Labcorp Genetics (formerly Invitae), Labcorp
Classification: Uncertain significance. Last evaluated: 2026-01-19. Review status: criteria provided, single submitter. Criteria: Invitae Variant Classification Sherloc (09022015). Collection method: clinical testing. Allele origin: germline.
Comment: This sequence change replaces proline, which is neutral and non-polar, with arginine, which is basic and polar, at codon 1358 of the IGSF10 protein (p.Pro1358Arg). This variant is present in population databases (rs202079707, gnomAD 0.1%), and has an allele count higher than expected for a pathogenic variant. This variant has not been reported in the literature in individuals affected with IGSF10-related conditions. ClinVar contains an entry for this variant (Variation ID: 1482579). An algorithm developed to predict the effect of missense changes on protein structure and function outputs the following: PolyPhen-2: "Benign". The arginine amino acid residue is found in multiple mammalian species, which suggests that this missense change does not adversely affect protein function. In summary, the available evidence is currently insufficient to determine the role of this variant in disease. Therefore, it has been classified as a Variant of Uncertain Significance.

Ambry Genetics
Classification: Uncertain significance. Last evaluated: 2024-09-30. Review status: criteria provided, single submitter. Criteria: Ambry Variant Classification Scheme 2023. Collection method: clinical testing. Allele origin: germline.

Breakthrough Genomics
Classification: Uncertain significance. Review status: criteria provided, single submitter. Criteria: ACMG Guidelines, 2015. Collection method: not provided. Allele origin: germline. Inheritance: Unknown mechanism. Affected: yes.

NM_178822.5(IGSF10):c.4073C>G (p.Pro1358Arg)

Gene: IGSF10 (immunoglobulin superfamily member 10; minus strand). Cytogenetic location: 3q25.1.
Variant type: single nucleotide variant.
Coding change: c.4073C>G on transcript NM_178822.5 (MANE Select); coding-DNA position 4073, C replaced by G.
Protein change: p.Pro1358Arg; replaces proline 1358 with arginine.
Molecular consequence: missense variant.
Genome position (GRCh38, 1-based): chr3:151,445,908, G>C on the plus strand (C>G on the coding strand, the complement: IGSF10 is on the minus strand). VCF-style: chr3-151445908-G-C. GRCh37 (hg19) VCF-style: chr3-151163696-G-C.
Other names: c.4073C>G, p.Pro1358Arg (NM_001385060.1, NM_001385061.1, NM_001385062.1 and 1 more transcripts); c.4073C>G (NM_178822.4); short protein forms P1358R.
Identifiers: ClinVar variation 1482579 (VCV001482579.9), dbSNP rs202079707, ClinGen allele CA2670034.